The following is an entry in ClinVar:

NM_015450.3(POT1):c.793C>G (p.Leu265Val)

Gene: POT1 (protection of telomeres 1; minus strand). Cytogenetic location: 7q31.33.
Variant type: single nucleotide variant.
Coding change: c.793C>G on transcript NM_015450.3 (MANE Select); coding-DNA position 793, C replaced by G.
Protein change: p.Leu265Val; replaces leucine 265 with valine.
Molecular consequence: missense variant. On other transcripts: non-coding transcript variant (3).
Genome position (GRCh38, 1-based): chr7:124,853,048, G>C on the plus strand (C>G on the coding strand, the complement: POT1 is on the minus strand). VCF-style: chr7-124853048-G-C. GRCh37 (hg19) VCF-style: chr7-124493102-G-C.
Other names: c.400C>G, p.Leu134Val (NM_001042594.2); short protein forms L265V, L134V.
Identifiers: ClinVar variation 2565247 (VCV002565247.2), dbSNP rs2485441704, ClinGen allele CA369055433.

ClinVar aggregate classification (germline): Uncertain significance (1 of 4 stars; one submission).

Conditions:
Hereditary cancer-predisposing syndrome. Also called: Neoplastic Syndromes, Hereditary; Hereditary Cancer Syndrome; Hereditary neoplastic syndrome; Tumor predisposition. Identifiers: Orphanet 140162, MedGen C0027672, MeSH D009386, MONDO:0015356.

Submission:

Ambry Genetics
Classification: Uncertain significance for Hereditary cancer-predisposing syndrome. Last evaluated: 2023-04-09. Review status: criteria provided, single submitter. Criteria: Ambry Variant Classification Scheme 2023. Collection method: clinical testing. Allele origin: germline.
Comment: The p.L265V variant (also known as c.793C>G), located in coding exon 6 of the POT1 gene, results from a C to G substitution at nucleotide position 793. The leucine at codon 265 is replaced by valine, an amino acid with highly similar properties. This amino acid position is conserved. In addition, the in silico prediction for this alteration is inconclusive. Since supporting evidence is limited at this time, the clinical significance of this alteration remains unclear.